The following is an entry in ClinVar:

ClinVar aggregate classification (germline): Benign (1 of 4 stars; one submission).

Allele frequency attached by ClinVar (database versions not stated): TOPMed 0.06043; gnomAD 0.06592 and 0.06595; 1000 Genomes Project 0.07009; 1000 Genomes Project 30x 0.07183.
gnomAD v4.1: 10,119 of 152,246 alleles (6.6%); highest among the groups gnomAD compares: South Asian, 9.2%; 371 homozygotes.

Submission:

GeneDx
Classification: Benign. Last evaluated: 2018-06-19. Review status: criteria provided, single submitter. Criteria: GeneDx Variant Classification (06012015). Collection method: clinical testing. Allele origin: germline. Affected: yes.
Comment: This variant is considered likely benign or benign based on one or more of the following criteria: it is a conservative change, it occurs at a poorly conserved position in the protein, it is predicted to be benign by multiple in silico algorithms, and/or has population frequency not consistent with disease.

NM_000093.5(COL5A1):c.491+271C>T

Gene: COL5A1 (collagen type V alpha 1 chain; plus strand). Cytogenetic location: 9q34.3.
Variant type: single nucleotide variant.
Coding change: c.491+271C>T on transcript NM_000093.5 (MANE Select); 271 bases into the intron after coding-DNA position 491, C replaced by T.
Molecular consequence: intron variant.
Genome position (GRCh38, 1-based): chr9:134,700,393, C>T. VCF-style: chr9-134700393-C-T. GRCh37 (hg19) VCF-style: chr9-137592239-C-T.
Other names: c.491+271C>T (NM_001278074.1).
Identifiers: ClinVar variation 668954 (VCV000668954.1), dbSNP rs11103470, ClinGen allele CA201086442.
Genomic context (GRCh38, chr9:134,700,393, plus strand): 5'-CTTCTCCTCCCTGGCCCTCCATTATCCCTTTGTAAAGTGCACTAAAGCACATCAAATTCC[C>T]GCCTGTTTGTGTCAGAAGGGACACAGGAAATTGTGAGGTTATACCCAACCTTTTCCAGAA-3'